The following is an entry in ClinVar:

ClinVar aggregate classification (germline): Likely benign. Review status: criteria provided, multiple submitters, no conflicts (2 of 4 stars). 5 submissions from 4 submitters: Likely benign (5). Last evaluated 2023-10-01.

Conditions:
Inborn genetic diseases. Identifiers: MedGen C0950123, MeSH D030342.
Familial cutaneous telangiectasia and oropharyngeal predisposition cancer syndrome. Identifiers: Orphanet 313846, MedGen C3281203, MONDO:0013806, OMIM 614564.
Seckel syndrome 1 (SCKL1). Also called: MICROCEPHALIC PRIMORDIAL DWARFISM I. Identifiers: Orphanet 808, MedGen C4551474, MONDO:0008869, OMIM 210600.

Allele frequency attached by ClinVar (database versions not stated): gnomAD 0.00001; TOPMed 0.00001; ESP Exome Variant Server 0.00008.

Submissions (5):

CeGaT Center for Human Genetics Tuebingen
Classification: Likely benign. Last evaluated: 2023-10-01. Review status: criteria provided, single submitter. Criteria: CeGaT Center For Human Genetics Tuebingen Variant Classification Criteria Version 2. Collection method: clinical testing. Allele origin: germline. Affected: yes. Observed: 1 variant allele.
Comment: ATR: BP4, BP7

Genome-Nilou Lab
Classification: Likely benign for Seckel syndrome 1. Last evaluated: 2023-02-08. Review status: criteria provided, single submitter. Criteria: ACMG Guidelines, 2015. Collection method: clinical testing. Allele origin: germline.

Genome-Nilou Lab
Classification: Likely benign for Familial cutaneous telangiectasia and oropharyngeal predisposition cancer syndrome. Last evaluated: 2023-02-08. Review status: criteria provided, single submitter. Criteria: ACMG Guidelines, 2015. Collection method: clinical testing. Allele origin: germline.

Labcorp Genetics (formerly Invitae), Labcorp
Classification: Likely benign. Last evaluated: 2022-06-28. Review status: criteria provided, single submitter. Criteria: Invitae Variant Classification Sherloc (09022015). Collection method: clinical testing. Allele origin: germline.

Ambry Genetics
Classification: Likely benign for Inborn genetic diseases. Last evaluated: 2022-03-03. Review status: criteria provided, single submitter. Criteria: Ambry Variant Classification Scheme 2023. Collection method: clinical testing. Allele origin: germline.

NM_001184.4(ATR):c.4260C>T (p.Ala1420=)

Gene: ATR (ATR checkpoint kinase; minus strand). Cytogenetic location: 3q23.
Variant type: single nucleotide variant.
Coding change: c.4260C>T on transcript NM_001184.4 (MANE Select); coding-DNA position 4260, C replaced by T.
Protein change: p.Ala1420=; no amino-acid change (alanine 1420 retained).
Molecular consequence: synonymous variant.
Genome position (GRCh38, 1-based): chr3:142,522,734, G>A on the plus strand (C>T on the coding strand, the complement: ATR is on the minus strand). VCF-style: chr3-142522734-G-A. GRCh37 (hg19) VCF-style: chr3-142241576-G-A.
Other names: c.4068C>T, p.Ala1356= (NM_001354579.2).
Identifiers: ClinVar variation 1113066 (VCV001113066.35), dbSNP rs141720641, ClinGen allele CA2649898.